The following is an entry in ClinVar:

NM_002691.4(POLD1):c.942C>T (p.Ser314=)

Gene: POLD1 (DNA polymerase delta 1, catalytic subunit; plus strand). Cytogenetic location: 19q13.33.
Variant type: single nucleotide variant.
Coding change: c.942C>T on transcript NM_002691.4 (MANE Select); coding-DNA position 942, C replaced by T.
Protein change: p.Ser314=; no amino-acid change (serine 314 retained).
Molecular consequence: synonymous variant. On other transcripts: non-coding transcript variant (1).
Genome position (GRCh38, 1-based): chr19:50,402,713, C>T. VCF-style: chr19-50402713-C-T. GRCh37 (hg19) VCF-style: chr19-50905970-C-T.
Other names: c.942C>T, p.Ser314= (NM_001256849.1, NM_001308632.1).
Identifiers: ClinVar variation 484430 (VCV000484430.15), dbSNP rs1555790296, ClinGen allele CA508182112.
Genomic context (GRCh38, chr19:50,402,713, plus strand): 5'-CGTGGTCAGTCACCCACCGGAAGGGCCATGGCAGCGCATTGCGCCCTTGCGCGTGCTCAG[C>T]TTCGATATCGAGTGCGCCGGCCGCAAAGGTCTGTCCCCGGGCCCGGGCTCCTGCCCGCCT-3'
Protein context (NP_002682.2, residues 304-324): WQRIAPLRVL[Ser314=]FDIECAGRKG

ClinVar aggregate classification (germline): Benign/Likely benign. Review status: criteria provided, multiple submitters, no conflicts (2 of 4 stars). 3 submissions from 3 submitters: Benign (1); Likely benign (2). Last evaluated 2025-02-05.

Conditions:
Hereditary cancer-predisposing syndrome. Also called: Tumor predisposition; Hereditary Cancer Syndrome; Hereditary neoplastic syndrome; Neoplastic Syndromes, Hereditary. Identifiers: Orphanet 140162, MedGen C0027672, MeSH D009386, MONDO:0015356.
POLD1-related polyposis and colorectal cancer syndrome (CRCS10). Also called: Colorectal cancer 10; COLORECTAL CANCER, SUSCEPTIBILITY TO, ON CHROMOSOME 19q; Colorectal cancer, susceptibility to, 10. Identifiers: Orphanet 220460, MedGen C2675481, MONDO:0012953, OMIM 612591.

Submissions (3):

Myriad Genetics, Inc.
Classification: Benign for POLD1-related polyposis and colorectal cancer syndrome. Last evaluated: 2025-02-05. Review status: criteria provided, single submitter. Criteria: Myriad Autosomal Dominant, Autosomal Recessive and X-Linked Classification Criteria (2023). Collection method: clinical testing. Allele origin: unknown.
Comment: This variant is considered benign. This variant is a silent/synonymous amino acid change and it is not expected to impact splicing.

Labcorp Genetics (formerly Invitae), Labcorp
Classification: Likely benign for POLD1-related polyposis and colorectal cancer syndrome. Last evaluated: 2023-02-27. Review status: criteria provided, single submitter. Criteria: Invitae Variant Classification Sherloc (09022015). Collection method: clinical testing. Allele origin: germline.

Ambry Genetics
Classification: Likely benign for Hereditary cancer-predisposing syndrome. Last evaluated: 2017-07-10. Review status: criteria provided, single submitter. Criteria: Ambry Variant Classification Scheme 2023. Collection method: clinical testing. Allele origin: germline.